The following is an entry in ClinVar:

ClinVar aggregate classification (germline): Uncertain significance. Review status: criteria provided, multiple submitters, no conflicts (2 of 4 stars). 2 submissions from 2 submitters: Uncertain significance (2). Last evaluated 2024-12-10.

Conditions:
Inborn genetic diseases. Identifiers: MedGen C0950123, MeSH D030342.

Allele frequency attached by ClinVar (database versions not stated): gnomAD 0.00003.
gnomAD v4.1: 164 of 1,088,562 alleles (0.015%); highest among the groups gnomAD compares: Non-Finnish European, 0.018%; no homozygotes.

Submissions (2):

Ambry Genetics
Classification: Uncertain significance for Inborn genetic diseases. Last evaluated: 2024-12-10. Review status: criteria provided, single submitter. Criteria: Ambry Variant Classification Scheme 2023. Collection method: clinical testing. Allele origin: germline.

Labcorp Genetics (formerly Invitae), Labcorp
Classification: Uncertain significance. Last evaluated: 2022-03-03. Review status: criteria provided, single submitter. Criteria: Invitae Variant Classification Sherloc (09022015). Collection method: clinical testing. Allele origin: germline.
Comment: This sequence change replaces glycine, which is neutral and non-polar, with cysteine, which is neutral and slightly polar, at codon 15 of the TAPT1 protein (p.Gly15Cys). This variant is not present in population databases (gnomAD no frequency). This variant has not been reported in the literature in individuals affected with TAPT1-related conditions. Algorithms developed to predict the effect of missense changes on protein structure and function are either unavailable or do not agree on the potential impact of this missense change (SIFT: "Tolerated"; PolyPhen-2: "Not Available"; Align-GVGD: "Class C0"). In summary, the available evidence is currently insufficient to determine the role of this variant in disease. Therefore, it has been classified as a Variant of Uncertain Significance.

NM_153365.3(TAPT1):c.43G>T (p.Gly15Cys)

Gene: TAPT1 (transmembrane anterior posterior transformation 1; minus strand). Cytogenetic location: 4p15.32.
Variant type: single nucleotide variant.
Coding change: c.43G>T on transcript NM_153365.3 (MANE Select); coding-DNA position 43, G replaced by T.
Protein change: p.Gly15Cys; replaces glycine 15 with cysteine.
Molecular consequence: missense variant.
Genome position (GRCh38, 1-based): chr4:16,226,415, C>A on the plus strand (G>T on the coding strand, the complement: TAPT1 is on the minus strand). VCF-style: chr4-16226415-C-A. GRCh37 (hg19) VCF-style: chr4-16228038-C-A.
Other names: c.43G>T (NM_153365.2); short protein forms G15C.
Identifiers: ClinVar variation 1507674 (VCV001507674.6), dbSNP rs893097016, ClinGen allele CA93026035.